The following is an entry in ClinVar:

NM_138477.4(CDAN1):c.2860C>T (p.Pro954Ser)

Gene: CDAN1 (codanin 1; minus strand). Cytogenetic location: 15q15.2.
Variant type: single nucleotide variant.
Coding change: c.2860C>T on transcript NM_138477.4 (MANE Select); coding-DNA position 2860, C replaced by T.
Protein change: p.Pro954Ser; replaces proline 954 with serine.
Molecular consequence: missense variant.
Genome position (GRCh38, 1-based): chr15:42,728,212, G>A on the plus strand (C>T on the coding strand, the complement: CDAN1 is on the minus strand). VCF-style: chr15-42728212-G-A. GRCh37 (hg19) VCF-style: chr15-43020410-G-A.
Other names: p.Pro954Ser; short protein forms P954S.
Identifiers: ClinVar variation 4541925 (VCV004541925.1).

ClinVar aggregate classification (germline): Uncertain significance (1 of 4 stars; one submission).

gnomAD v4.1: 6 of 1,613,610 alleles (0.00037%); highest among the groups gnomAD compares: East Asian, 0.0045%; no homozygotes.

Submission:

Mayo Clinic Laboratories, Mayo Clinic
Classification: Uncertain significance. Last evaluated: 2025-07-15. Review status: criteria provided, single submitter. Criteria: ACMG Guidelines, 2015. Collection method: clinical testing. Allele origin: germline. Observed: 1 variant allele.
Comment: PM2_supporting